The following is an entry in ClinVar:

ClinVar aggregate classification (germline): Uncertain significance (1 of 4 stars; one submission).

Submission:

Labcorp Genetics (formerly Invitae), Labcorp
Classification: Uncertain significance. Last evaluated: 2022-11-01. Review status: criteria provided, single submitter. Criteria: Invitae Variant Classification Sherloc (09022015). Collection method: clinical testing. Allele origin: germline.
Comment: This sequence change replaces valine, which is neutral and non-polar, with leucine, which is neutral and non-polar, at codon 3430 of the HMCN1 protein (p.Val3430Leu). This variant is not present in population databases (gnomAD no frequency). This variant has not been reported in the literature in individuals affected with HMCN1-related conditions. Algorithms developed to predict the effect of missense changes on protein structure and function are either unavailable or do not agree on the potential impact of this missense change (SIFT: "Deleterious"; PolyPhen-2: "Probably Damaging"; Align-GVGD: "Class C0"). In summary, the available evidence is currently insufficient to determine the role of this variant in disease. Therefore, it has been classified as a Variant of Uncertain Significance.

NM_031935.3(HMCN1):c.10288G>C (p.Val3430Leu)

Gene: HMCN1 (hemicentin 1; plus strand). Cytogenetic location: 1q31.1.
Variant type: single nucleotide variant.
Coding change: c.10288G>C on transcript NM_031935.3 (MANE Select); coding-DNA position 10288, G replaced by C.
Protein change: p.Val3430Leu; replaces valine 3430 with leucine.
Molecular consequence: missense variant.
Genome position (GRCh38, 1-based): chr1:186,094,367, G>C. VCF-style: chr1-186094367-G-C. GRCh37 (hg19) VCF-style: chr1-186063499-G-C.
Other names: short protein forms V3430L.
Identifiers: ClinVar variation 2013995 (VCV002013995.4), dbSNP rs2527929782, ClinGen allele CA343929103.